The following is an entry in ClinVar:

NM_001267550.2(TTN):c.7138T>A (p.Ser2380Thr)

Genes: TTN (titin; minus strand), LOC126806433 (BRD4-independent group 4 enhancer GRCh37_chr2:179638309-179639508; plus strand). Cytogenetic location: 2q31.2.
Variant type: single nucleotide variant.
Coding change: c.7138T>A on transcript NM_001267550.2 (MANE Select); coding-DNA position 7138, T replaced by A.
Protein change: p.Ser2380Thr; replaces serine 2380 with threonine.
Molecular consequence: missense variant.
Genome position (GRCh38, 1-based): chr2:178,774,030, A>T on the plus strand (T>A on the coding strand, the complement: TTN is on the minus strand). VCF-style: chr2-178774030-A-T. GRCh37 (hg19) VCF-style: chr2-179638757-A-T.
Other names: c.7138T>A, p.Ser2380Thr (NM_001256850.1, NM_133378.4, NM_133379.5); c.7000T>A, p.Ser2334Thr (NM_003319.4, NM_133432.3, NM_133437.4); short protein forms S2334T, S2380T.
Identifiers: ClinVar variation 669709 (VCV000669709.1), dbSNP rs1574624236, ClinGen allele CA349680937.

ClinVar aggregate classification (germline): Likely benign (1 of 4 stars; one submission).

Submission:

GeneDx
Classification: Likely benign. Last evaluated: 2018-04-13. Review status: criteria provided, single submitter. Criteria: GeneDx Variant Classification (06012015). Collection method: clinical testing. Allele origin: germline. Affected: yes.
Comment: This variant is considered likely benign or benign based on one or more of the following criteria: it is a conservative change, it occurs at a poorly conserved position in the protein, it is predicted to be benign by multiple in silico algorithms, and/or has population frequency not consistent with disease.